The following is an entry in ClinVar:

ClinVar aggregate classification (germline): Uncertain significance (1 of 4 stars; one submission).

Conditions:
Neuropathy, hereditary sensory and autonomic, type 2A (HSAN2A). Also called: WNK1-Related HSAN2 (HSAN2A); NEUROPATHY, CONGENITAL SENSORY; NEUROPATHY, HEREDITARY SENSORY RADICULAR, AUTOSOMAL RECESSIVE; NEUROPATHY, HEREDITARY SENSORY, TYPE IIA; NEUROPATHY, PROGRESSIVE SENSORY, OF CHILDREN; HSAN IIA. Identifiers: Orphanet 970, MedGen C2752089, MONDO:0024309, OMIM 201300.
Generalized epilepsy with febrile seizures plus, type 7 (GEFSP7). Also called: GEFS+, TYPE 7. Identifiers: Orphanet 36387, MedGen C2751778, MONDO:0013470, OMIM 613863.

Submission:

Labcorp Genetics (formerly Invitae), Labcorp
Classification: Uncertain significance for Neuropathy, hereditary sensory and autonomic, type 2A; Generalized epilepsy with febrile seizures plus, type 7. Last evaluated: 2023-10-03. Review status: criteria provided, single submitter. Criteria: Invitae Variant Classification Sherloc (09022015). Collection method: clinical testing. Allele origin: germline.
Comment: This sequence change replaces arginine, which is basic and polar, with threonine, which is neutral and polar, at codon 1282 of the SCN9A protein (p.Arg1282Thr). This variant is not present in population databases (gnomAD no frequency). This variant has not been reported in the literature in individuals affected with SCN9A-related conditions. ClinVar contains an entry for this variant (Variation ID: 1508034). Advanced modeling of protein sequence and biophysical properties (such as structural, functional, and spatial information, amino acid conservation, physicochemical variation, residue mobility, and thermodynamic stability) has been performed at Invitae for this missense variant, however the output from this modeling did not meet the statistical confidence thresholds required to predict the impact of this variant on SCN9A protein function. In summary, the available evidence is currently insufficient to determine the role of this variant in disease. Therefore, it has been classified as a Variant of Uncertain Significance.

NM_001365536.1(SCN9A):c.3878G>C (p.Arg1293Thr)

Genes: SCN1A-AS1 (SCN1A and SCN9A antisense RNA 1; plus strand), SCN9A (sodium voltage-gated channel alpha subunit 9; minus strand). Cytogenetic location: 2q24.3.
Variant type: single nucleotide variant.
Coding change: c.3878G>C on transcript NM_001365536.1 (MANE Select); coding-DNA position 3878, G replaced by C.
Protein change: p.Arg1293Thr; replaces arginine 1293 with threonine.
Molecular consequence: missense variant.
Genome position (GRCh38, 1-based): chr2:166,233,386, C>G on the plus strand (G>C on the coding strand, the complement: SCN9A is on the minus strand). VCF-style: chr2-166233386-C-G. GRCh37 (hg19) VCF-style: chr2-167089896-C-G.
Other names: c.3845G>C, p.Arg1282Thr (NM_002977.4); short protein forms R1293T, R1282T.
Identifiers: ClinVar variation 1508034 (VCV001508034.8), dbSNP rs2106395575, ClinGen allele CA349066439.